The following is an entry in ClinVar:

ClinVar aggregate classification (germline): Conflicting classifications of pathogenicity. Review status: criteria provided, conflicting classifications (1 of 4 stars). 4 submissions from 4 submitters: Likely pathogenic (2); Uncertain significance (2). Last evaluated 2025-06-23.

Conditions:
CRX-related disorders.
Cone-rod dystrophy 2 (CORD2). Also called: CONE-ROD RETINAL DYSTROPHY; Cone-rod retinal dystrophy 2. Identifiers: Orphanet 1872, MedGen C3489532, MONDO:0007362, OMIM 120970.
Leber congenital amaurosis 7 (LCA7). Identifiers: Orphanet 65, MedGen C3151192, MONDO:0013449, OMIM 613829.

Allele frequency attached by ClinVar (database versions not stated): gnomAD exomes below 0.00001 and 0.00001; gnomAD 0.00001; TOPMed 0.00001.
gnomAD v4.1: 22 of 1,613,228 alleles (0.0014%); highest among the groups gnomAD compares: Admixed American, 0.0017%; no homozygotes.

Submissions (4):

Labcorp Genetics (formerly Invitae), Labcorp
Classification: Likely pathogenic for Cone-rod dystrophy 2; Leber congenital amaurosis 7. Last evaluated: 2025-06-23. Review status: criteria provided, single submitter. Criteria: Invitae Variant Classification Sherloc (09022015). Collection method: clinical testing. Allele origin: germline.
Comment: This sequence change replaces arginine, which is basic and polar, with glutamine, which is neutral and polar, at codon 90 of the CRX protein (p.Arg90Gln). This variant is present in population databases (no rsID available, gnomAD 0.005%). This variant has not been reported in the literature in individuals affected with CRX-related conditions. ClinVar contains an entry for this variant (Variation ID: 452003). Invitae Evidence Modeling of protein sequence and biophysical properties (such as structural, functional, and spatial information, amino acid conservation, physicochemical variation, residue mobility, and thermodynamic stability) indicates that this missense variant is expected to disrupt CRX protein function with a positive predictive value of 95%. This variant disrupts the p.Arg90 amino acid residue in CRX. Other variant(s) that disrupt this residue have been determined to be pathogenic (PMID: 9931337; internal data). This suggests that this residue is clinically significant, and that variants that disrupt this residue are likely to be disease-causing. In summary, the currently available evidence indicates that the variant is pathogenic, but additional data are needed to prove that conclusively. Therefore, this variant has been classified as Likely Pathogenic.

3billion
Classification: Uncertain significance for Cone-rod dystrophy 2. Last evaluated: 2025-02-05. Review status: criteria provided, single submitter. Criteria: ACMG Guidelines, 2015. Collection method: clinical testing. Allele origin: germline. Affected: yes.
Comment: The variant is observed at an extremely low frequency in the gnomAD v4.1.0 dataset (total allele frequency: 0.001%). Predicted Consequence/Location: Missense variant. The majority of the known disease-causing variants of this gene are variants expected to result in premature termination of the protein. In silico tool predictions suggest damaging effect of the variant on gene or gene product [REVEL: 0.90 (>=0.6, sensitivity 0.68 and specificity 0.92); 3Cnet: 0.92 (>=0.6, sensitivity 0.72 and precision 0.9)]. A different missense change at the same codon (p.Arg90Trp) has been reported as pathogenic/likely pathogenic with strong evidence (ClinVar ID: VCV000007422 /PMID: 9931337). Therefore, this variant is classified as VUS according to the recommendation of ACMG/AMP guideline.

Blueprint Genetics
Classification: Likely pathogenic for CRX-related disorders. Last evaluated: 2021-06-21. Review status: criteria provided, single submitter. Criteria: ACMG Guidelines, 2015. Collection method: clinical testing. Allele origin: germline. Affected: yes. Observed: 3 variant alleles.

GeneDx
Classification: Uncertain significance. Last evaluated: 2019-01-04. Review status: criteria provided, single submitter. Criteria: GeneDx Variant Classification (06012015). Collection method: clinical testing. Allele origin: germline. Affected: yes.
Comment: The R90Q variant in the CRX gene has not been reported previously as a pathogenic variant, nor as a benign variant, to our knowledge. This variant is not observed at a significant frequency in large population cohorts (Lek et al., 2016). The R90Q variant is a semi-conservative amino acid substitution, which may impact secondary protein structure as these residues differ in some properties. This substitution occurs at a position that is conserved across species. In silico analysis predicts this variant is probably damaging to the protein structure/function. A missense variant at the same residue (R90W) has been reported in the homozygous state in an individual with Leber's congenital amaurosis whose parents, both heterozygous for the R90W variant, demonstrated subtle cone function abnormality (Swaroop et al., 1999), supporting the functional importance of this residue of the protein. We interpret R90Q as a variant of uncertain significance.

Literature cited by the submitters: PubMed 9931337 (cited by Labcorp Genetics (formerly Invitae), Labcorp and 3billion).

NM_000554.6(CRX):c.269G>A (p.Arg90Gln)

Gene: CRX (cone-rod homeobox; plus strand). Cytogenetic location: 19q13.33.
Variant type: single nucleotide variant.
Coding change: c.269G>A on transcript NM_000554.6 (MANE Select); coding-DNA position 269, G replaced by A.
Protein change: p.Arg90Gln; replaces arginine 90 with glutamine.
Molecular consequence: missense variant.
Genome position (GRCh38, 1-based): chr19:47,839,336, G>A. VCF-style: chr19-47839336-G-A. GRCh37 (hg19) VCF-style: chr19-48342593-G-A.
Other names: short protein forms R90Q.
Identifiers: ClinVar variation 452003 (VCV000452003.9), dbSNP rs1209634994, ClinGen allele CA406630283.
Genomic context (GRCh38, chr19:47,839,336, plus strand): 5'-CTCTTCCCCACTTACCCACCCCCATCTCCGCTCTTATCCCCCAGGTTTGGTTCAAGAACC[G>A]GAGGGCTAAATGCAGGCAGCAGCGACAGCAGCAGAAACAGCAGCAGCAGCCCCCAGGGGG-3'
Protein context (NP_000545.1, residues 80-100): ESRVQVWFKN[Arg90Gln]RAKCRQQRQQ